The following is an entry in ClinVar:

NM_030957.4(ADAMTS10):c.869G>A (p.Arg290His)

Gene: ADAMTS10 (ADAM metallopeptidase with thrombospondin type 1 motif 10; minus strand). Cytogenetic location: 19p13.2.
Variant type: single nucleotide variant.
Coding change: c.869G>A on transcript NM_030957.4 (MANE Select); coding-DNA position 869, G replaced by A.
Protein change: p.Arg290His; replaces arginine 290 with histidine.
Molecular consequence: missense variant.
Genome position (GRCh38, 1-based): chr19:8,597,259, C>T on the plus strand (G>A on the coding strand, the complement: ADAMTS10 is on the minus strand). VCF-style: chr19-8597259-C-T. GRCh37 (hg19) VCF-style: chr19-8662143-C-T.
Other names: short protein forms R290H.
Identifiers: ClinVar variation 1404579 (VCV001404579.8), dbSNP rs2042616597, ClinGen allele CA403756269.

ClinVar aggregate classification (germline): Uncertain significance (1 of 4 stars; one submission).

Allele frequency attached by ClinVar (database versions not stated): gnomAD exomes below 0.00001.
gnomAD v4.1: 6 of 1,614,084 alleles (0.00037%); highest among the groups gnomAD compares: Non-Finnish European, 0.00051%; no homozygotes.

Submission:

Labcorp Genetics (formerly Invitae), Labcorp
Classification: Uncertain significance. Last evaluated: 2025-07-09. Review status: criteria provided, single submitter. Criteria: Invitae Variant Classification Sherloc (09022015). Collection method: clinical testing. Allele origin: germline.
Comment: This sequence change replaces arginine, which is basic and polar, with histidine, which is basic and polar, at codon 290 of the ADAMTS10 protein (p.Arg290His). This variant is not present in population databases (gnomAD no frequency). This variant has not been reported in the literature in individuals affected with ADAMTS10-related conditions. ClinVar contains an entry for this variant (Variation ID: 1404579). An algorithm developed to predict the effect of missense changes on protein structure and function (PolyPhen-2) suggests that this variant is likely to be disruptive. In summary, the available evidence is currently insufficient to determine the role of this variant in disease. Therefore, it has been classified as a Variant of Uncertain Significance.